The following is an entry in ClinVar:

ClinVar aggregate classification (germline): Likely pathogenic (1 of 4 stars; one submission).

Conditions:
Spastic paraplegia 82, autosomal recessive (SPG82). Identifiers: Orphanet 631073, MedGen C5394037, MONDO:0032906, OMIM 618770.

Submission:

Molecular Genetics, Royal Melbourne Hospital
Classification: Likely pathogenic for Spastic paraplegia 82, autosomal recessive. Last evaluated: 2022-09-05. Review status: criteria provided, single submitter. Criteria: ACMG Guidelines, 2015. Collection method: clinical testing. Allele origin: germline.
Comment: This sequence change in PCYT2 is a nonsense variant predicted to cause a premature stop codon, p.(Lys261*), in biologically relevant exon 9/13 leading to nonsense-mediated decay in a gene in which loss-of-function is an established disease mechanism (PMID: 31637422, 32889549, 33454747). This variant is absent from the population database gnomAD v2.1 and v3.1. To our knowledge, this variant has not been reported in the literature in any individuals with disease. Based on the classification scheme RMH Modified ACMG Guidelines v1.5.1, this variant is classified as LIKELY PATHOGENIC. Following criteria are met: PVS1, PM2_Supporting.

Literature cited by the submitters: PubMed 31637422; PubMed 32889549; PubMed 33454747.

NM_002861.5(PCYT2):c.781A>T (p.Lys261Ter)

Gene: PCYT2 (phosphate cytidylyltransferase 2, ethanolamine; minus strand). Cytogenetic location: 17q25.3.
Variant type: single nucleotide variant.
Coding change: c.781A>T on transcript NM_002861.5 (MANE Select); coding-DNA position 781, A replaced by T.
Protein change: p.Lys261Ter; replaces lysine 261 with a stop codon.
Molecular consequence: nonsense.
Genome position (GRCh38, 1-based): chr17:81,906,156, T>A on the plus strand (A>T on the coding strand, the complement: PCYT2 is on the minus strand). VCF-style: chr17-81906156-T-A. GRCh37 (hg19) VCF-style: chr17-79864032-T-A.
Other names: c.835A>T, p.Lys279Ter (NM_001184917.3); c.619A>T, p.Lys207Ter (NM_001256433.3); c.658A>T, p.Lys220Ter (NM_001256434.3); c.547A>T, p.Lys183Ter (NM_001256435.3, NM_001282203.2); c.685A>T, p.Lys229Ter (NM_001282204.2); c.781A>T, p.Lys261Ter (NM_001330518.2); short protein forms K183*, K207*, K220*, K229*, K261*, K279*.
Identifiers: ClinVar variation 3068607 (VCV003068607.1), dbSNP rs2510045525, ClinGen allele CA401520629.